The following is an entry in ClinVar:

ClinVar aggregate classification (germline): Uncertain significance (1 of 4 stars; one submission).

Conditions:
Hereditary cancer-predisposing syndrome. Also called: Neoplastic Syndromes, Hereditary; Tumor predisposition; Hereditary Cancer Syndrome; Hereditary neoplastic syndrome. Identifiers: Orphanet 140162, MedGen C0027672, MeSH D009386, MONDO:0015356.

Submission:

Ambry Genetics
Classification: Uncertain significance for Hereditary cancer-predisposing syndrome. Last evaluated: 2022-04-28. Review status: criteria provided, single submitter. Criteria: Ambry Variant Classification Scheme 2023. Collection method: clinical testing. Allele origin: germline.
Comment: The p.K74N variant (also known as c.222A>C), located in coding exon 2 of the PTCH1 gene, results from an A to C substitution at nucleotide position 222. The lysine at codon 74 is replaced by asparagine, an amino acid with similar properties. This amino acid position is conserved. In addition, the in silico prediction for this alteration is inconclusive. Since supporting evidence is limited at this time, the clinical significance of this alteration remains unclear.

NM_000264.5(PTCH1):c.222A>C (p.Lys74Asn)

Gene: PTCH1 (patched 1; minus strand). Cytogenetic location: 9q22.32.
Variant type: single nucleotide variant.
Coding change: c.222A>C on transcript NM_000264.5 (MANE Select); coding-DNA position 222, A replaced by C.
Protein change: p.Lys74Asn; replaces lysine 74 with asparagine.
Molecular consequence: missense variant. On other transcripts: 5 prime UTR variant (4), non-coding transcript variant (1).
Genome position (GRCh38, 1-based): chr9:95,506,579, T>G on the plus strand (A>C on the coding strand, the complement: PTCH1 is on the minus strand). VCF-style: chr9-95506579-T-G. GRCh37 (hg19) VCF-style: chr9-98268861-T-G.
Other names: c.24A>C, p.Lys8Asn (NM_001083602.3, NM_001354919.2); c.219A>C, p.Lys73Asn (NM_001083603.3); c.-232A>C (NM_001083604.3, NM_001083605.3, NM_001083606.3 and 1 more transcripts); c.222A>C, p.Lys74Asn (NM_001354918.2); short protein forms K8N, K74N, K73N.
Identifiers: ClinVar variation 1788055 (VCV001788055.2), dbSNP rs2538384899, ClinGen allele CA374120702.
Genomic context (GRCh38, chr9:95,506,579, plus strand): 5'-AATGTAACAACCCAGTTTAAATAAGAGTCTCTGAAACTTCGCTCTCAGCCACAGCGGCGC[T>G]TTCCGGCCAGTAGCCTTCCCCTGGGGACGAAGCAGAAGGGAGGAGTGAGCGCCGGGGAGT-3'
Protein context (NP_000255.2, residues 64-84): QISKGKATGR[Lys74Asn]APLWLRAKFQ